The following is an entry in ClinVar:

ClinVar aggregate classification (germline): Benign/Likely benign. Review status: criteria provided, multiple submitters, no conflicts (2 of 4 stars). 5 submissions from 5 submitters: Benign (2); Likely benign (3). Last evaluated 2025-12-01.

Conditions:
Autosomal dominant aplasia and myelodysplasia. Also called: Bone marrow failure syndrome 1. Identifiers: Orphanet 314399, MedGen C3808553, MONDO:0013851, OMIM 614675.

Allele frequency attached by ClinVar (database versions not stated): gnomAD below 0.00001 and 0.00020; TOPMed 0.00002; gnomAD exomes 0.00043; ExAC 0.00079; 1000 Genomes Project 30x 0.00234; 1000 Genomes Project 0.00260.
gnomAD v4.1: 354 of 1,496,242 alleles (0.024%); highest among the groups gnomAD compares: South Asian, 0.4%; 5 homozygotes.

Submissions (5):

Labcorp Genetics (formerly Invitae), Labcorp
Classification: Benign. Last evaluated: 2025-12-01. Review status: criteria provided, single submitter. Criteria: Invitae Variant Classification Sherloc (09022015). Collection method: clinical testing. Allele origin: germline.

Ambry Genetics
Classification: Likely benign. Last evaluated: 2024-11-28. Review status: criteria provided, single submitter. Criteria: Ambry Variant Classification Scheme 2023. Collection method: clinical testing. Allele origin: germline.

Blueprint Genetics
Classification: Likely benign. Last evaluated: 2024-11-07. Review status: criteria provided, single submitter. Criteria: ACMG Guidelines, 2015. Collection method: clinical testing. Allele origin: germline.

Illumina Laboratory Services, Illumina
Classification: Benign for Autosomal dominant aplasia and myelodysplasia. Last evaluated: 2018-01-12. Review status: criteria provided, single submitter. Criteria: ICSL Variant Classification Criteria 13 December 2019. Collection method: clinical testing. Allele origin: germline.
Comment: This variant was observed in the ICSL laboratory as part of a predisposition screen in an ostensibly healthy population. It had not been previously curated by ICSL or reported in the Human Gene Mutation Database (HGMD: prior to June 1st, 2018), and was therefore a candidate for classification through an automated scoring system. Utilizing variant allele frequency, disease prevalence and penetrance estimates, and inheritance mode, an automated score was calculated to assess if this variant is too frequent to cause the disease. Based on the score and internal cut-off values, a variant classified as benign is not then subjected to further curation. The score for this variant resulted in a classification of benign for this disease.

Genetic Services Laboratory, University of Chicago
Classification: Likely benign. Last evaluated: 2017-10-02. Review status: criteria provided, single submitter. Criteria: ACMG Guidelines, 2015. Collection method: clinical testing. Allele origin: germline. Affected: no.

NM_006947.4(SRP72):c.1650T>C (p.Asp550=)

Gene: SRP72 (signal recognition particle 72; plus strand). Cytogenetic location: 4q12.
Variant type: single nucleotide variant.
Coding change: c.1650T>C on transcript NM_006947.4 (MANE Select); coding-DNA position 1650, T replaced by C.
Protein change: p.Asp550=; no amino-acid change (aspartic acid 550 retained).
Molecular consequence: synonymous variant. On other transcripts: non-coding transcript variant (1).
Genome position (GRCh38, 1-based): chr4:56,495,366, T>C. VCF-style: chr4-56495366-T-C. GRCh37 (hg19) VCF-style: chr4-57361532-T-C.
Other names: c.1467T>C, p.Asp489= (NM_001267722.2).
Identifiers: ClinVar variation 349130 (VCV000349130.17), dbSNP rs202073540, ClinGen allele CA2931436.